The following is an entry in ClinVar:

ClinVar aggregate classification (germline): Uncertain significance (1 of 4 stars; one submission).

Allele frequency attached by ClinVar (database versions not stated): gnomAD 0.00001.
gnomAD v4.1: 2 of 1,613,942 alleles (0.00012%); highest among the groups gnomAD compares: Non-Finnish European, 0.00017%; no homozygotes.

Submission:

Labcorp Genetics (formerly Invitae), Labcorp
Classification: Uncertain significance. Last evaluated: 2023-09-03. Review status: criteria provided, single submitter. Criteria: Invitae Variant Classification Sherloc (09022015). Collection method: clinical testing. Allele origin: germline.
Comment: This variant has not been reported in the literature in individuals affected with DEAF1-related conditions. This variant is not present in population databases (gnomAD no frequency). This sequence change replaces arginine, which is basic and polar, with histidine, which is basic and polar, at codon 303 of the DEAF1 protein (p.Arg303His). ClinVar contains an entry for this variant (Variation ID: 2419577). In summary, the available evidence is currently insufficient to determine the role of this variant in disease. Therefore, it has been classified as a Variant of Uncertain Significance. Advanced modeling of protein sequence and biophysical properties (such as structural, functional, and spatial information, amino acid conservation, physicochemical variation, residue mobility, and thermodynamic stability) performed at Invitae indicates that this missense variant is expected to disrupt DEAF1 protein function.

NM_021008.4(DEAF1):c.908G>A (p.Arg303His)

Gene: DEAF1 (DEAF1 transcription factor; minus strand). Cytogenetic location: 11p15.5.
Variant type: single nucleotide variant.
Coding change: c.908G>A on transcript NM_021008.4 (MANE Select); coding-DNA position 908, G replaced by A.
Protein change: p.Arg303His; replaces arginine 303 with histidine.
Molecular consequence: missense variant. On other transcripts: intron variant (1).
Genome position (GRCh38, 1-based): chr11:681,052, C>T on the plus strand (G>A on the coding strand, the complement: DEAF1 is on the minus strand). VCF-style: chr11-681052-C-T. GRCh37 (hg19) VCF-style: chr11-681052-C-T.
Other names: c.182G>A, p.Arg61His (NM_001367390.1, NM_001440885.1, NM_001440886.1 and 1 more transcripts); c.908G>A, p.Arg303His (NM_001440883.1, NM_001440884.1); c.731-1236G>A (NM_001293634.2); short protein forms R303H, R61H.
Identifiers: ClinVar variation 2419577 (VCV002419577.6), dbSNP rs1860341016, ClinGen allele CA378928477.